The following is an entry in ClinVar:

ClinVar aggregate classification (germline): Uncertain significance (1 of 4 stars; one submission).

Conditions:
3-Methylglutaconic aciduria type 2 (BTHS). Also called: CARDIOSKELETAL MYOPATHY WITH NEUTROPENIA AND ABNORMAL MITOCHONDRIA; Barth syndrome. Identifiers: Orphanet 111, MedGen C0574083, MONDO:0010543, OMIM 302060.

Submission:

Labcorp Genetics (formerly Invitae), Labcorp
Classification: Uncertain significance for 3-Methylglutaconic aciduria type 2. Last evaluated: 2022-09-19. Review status: criteria provided, single submitter. Criteria: Invitae Variant Classification Sherloc (09022015). Collection method: clinical testing. Allele origin: germline.
Comment: In summary, the available evidence is currently insufficient to determine the role of this variant in disease. Therefore, it has been classified as a Variant of Uncertain Significance. This variant has not been reported in the literature in individuals affected with TAZ-related conditions. This sequence change replaces methionine, which is neutral and non-polar, with isoleucine, which is neutral and non-polar, at codon 39 of the TAZ protein (p.Met39Ile). This variant is not present in population databases (gnomAD no frequency). Algorithms developed to predict the effect of missense changes on protein structure and function are either unavailable or do not agree on the potential impact of this missense change (SIFT: "Not Available"; PolyPhen-2: "Benign"; Align-GVGD: "Not Available").

NM_000116.5(TAFAZZIN):c.117G>A (p.Met39Ile)

Genes: DNASE1L1 (deoxyribonuclease 1 like 1; minus strand), TAFAZZIN (tafazzin, phospholipid-lysophospholipid transacylase; plus strand). Cytogenetic location: Xq28.
Variant type: single nucleotide variant.
Coding change: c.117G>A on transcript NM_000116.5 (MANE Select); coding-DNA position 117, G replaced by A.
Protein change: p.Met39Ile; replaces methionine 39 with isoleucine.
Molecular consequence: missense variant. On other transcripts: non-coding transcript variant (1), 5 prime UTR variant (3).
Genome position (GRCh38, 1-based): chrX:154,412,093, G>A. VCF-style: chrX-154412093-G-A. GRCh37 (hg19) VCF-style: chrX-153640430-G-A.
Other names: c.171G>A, p.Met57Ile (NM_001410698.1, NM_001440856.1, NM_001440857.1 and 1 more transcripts); c.117G>A, p.Met39Ile (NM_001440858.1, NM_181311.4, NM_181312.4 and 1 more transcripts); c.-633C>T (NM_001009932.3); c.-375C>T (NM_001009933.3); c.-290C>T (NM_001009934.3); short protein forms M39I, M57I.
Identifiers: ClinVar variation 2031230 (VCV002031230.4), dbSNP rs1557191054, ClinGen allele CA415179341.